The following is an entry in ClinVar:

NM_001378183.1(PIEZO2):c.1129C>G (p.Pro377Ala)

Gene: PIEZO2 (piezo type mechanosensitive ion channel component 2; minus strand). Cytogenetic location: 18p11.22.
Variant type: single nucleotide variant.
Coding change: c.1129C>G on transcript NM_001378183.1 (MANE Select); coding-DNA position 1129, C replaced by G.
Protein change: p.Pro377Ala; replaces proline 377 with alanine.
Molecular consequence: missense variant.
Genome position (GRCh38, 1-based): chr18:10,803,946, G>C on the plus strand (C>G on the coding strand, the complement: PIEZO2 is on the minus strand). VCF-style: chr18-10803946-G-C. GRCh37 (hg19) VCF-style: chr18-10803944-G-C.
Other names: c.1129C>G, p.Pro377Ala (NM_001410871.1, NM_022068.4); short protein forms P377A.
Identifiers: ClinVar variation 2214009 (VCV002214009.5), dbSNP rs751631562, ClinGen allele CA8892776.

ClinVar aggregate classification (germline): Uncertain significance. Review status: criteria provided, multiple submitters, no conflicts (2 of 4 stars). 2 submissions from 2 submitters: Uncertain significance (2). Last evaluated 2023-01-27.

Conditions:
Inborn genetic diseases. Identifiers: MedGen C0950123, MeSH D030342.

Allele frequency attached by ClinVar (database versions not stated): gnomAD 0.00001; gnomAD exomes 0.00002; TOPMed 0.00002; ExAC 0.00005.
gnomAD v4.1: 24 of 1,537,196 alleles (0.0016%); highest among the groups gnomAD compares: Non-Finnish European, 0.0018%; no homozygotes.

Submissions (2):

Labcorp Genetics (formerly Invitae), Labcorp
Classification: Uncertain significance. Last evaluated: 2023-01-27. Review status: criteria provided, single submitter. Criteria: Invitae Variant Classification Sherloc (09022015). Collection method: clinical testing. Allele origin: germline.
Comment: This sequence change replaces proline, which is neutral and non-polar, with alanine, which is neutral and non-polar, at codon 377 of the PIEZO2 protein (p.Pro377Ala). In summary, the available evidence is currently insufficient to determine the role of this variant in disease. Therefore, it has been classified as a Variant of Uncertain Significance. Advanced modeling of protein sequence and biophysical properties (such as structural, functional, and spatial information, amino acid conservation, physicochemical variation, residue mobility, and thermodynamic stability) performed at Invitae indicates that this missense variant is not expected to disrupt PIEZO2 protein function. This variant has not been reported in the literature in individuals affected with PIEZO2-related conditions. This variant is present in population databases (rs751631562, gnomAD 0.003%).

Ambry Genetics
Classification: Uncertain significance for Inborn genetic diseases. Last evaluated: 2021-09-01. Review status: criteria provided, single submitter. Criteria: Ambry Variant Classification Scheme 2023. Collection method: clinical testing. Allele origin: germline.